The following is an entry in ClinVar:

NM_004304.5(ALK):c.2035C>G (p.Pro679Ala)

Gene: ALK (ALK receptor tyrosine kinase; minus strand). Cytogenetic location: 2p23.2.
Variant type: single nucleotide variant.
Coding change: c.2035C>G on transcript NM_004304.5 (MANE Select); coding-DNA position 2035, C replaced by G.
Protein change: p.Pro679Ala; replaces proline 679 with alanine.
Molecular consequence: missense variant.
Genome position (GRCh38, 1-based): chr2:29,275,105, G>C on the plus strand (C>G on the coding strand, the complement: ALK is on the minus strand). VCF-style: chr2-29275105-G-C. GRCh37 (hg19) VCF-style: chr2-29497971-G-C.
Other names: short protein forms P679A.
Identifiers: ClinVar variation 4040314 (VCV004040314.1).

ClinVar aggregate classification (germline): Uncertain significance (1 of 4 stars; one submission).

Conditions:
Hereditary cancer-predisposing syndrome. Also called: Neoplastic Syndromes, Hereditary; Tumor predisposition; Hereditary neoplastic syndrome; Hereditary Cancer Syndrome. Identifiers: Orphanet 140162, MedGen C0027672, MeSH D009386, MONDO:0015356.

Submission:

Ambry Genetics
Classification: Uncertain significance for Hereditary cancer-predisposing syndrome. Last evaluated: 2025-03-24. Review status: criteria provided, single submitter. Criteria: Ambry Variant Classification Scheme 2023. Collection method: clinical testing. Allele origin: germline.
Comment: The p.P679A variant (also known as c.2035C>G), located in coding exon 11 of the ALK gene, results from a C to G substitution at nucleotide position 2035. The proline at codon 679 is replaced by alanine, an amino acid with highly similar properties. This amino acid position is conserved. In addition, the in silico prediction for this alteration is inconclusive. Based on the available evidence, the clinical significance of this variant remains unclear.